The following is an entry in ClinVar:

ClinVar aggregate classification (germline): Uncertain significance (0 of 4 stars; one submission).

Conditions:
KIDINS220-related disorder. Also called: KIDINS220-related condition.

Submission:

PreventionGenetics, part of Exact Sciences
Classification: Uncertain significance for KIDINS220-related condition. Last evaluated: 2023-11-06. Review status: no assertion criteria provided. Collection method: clinical testing. Allele origin: germline.
Comment: The KIDINS220 c.4355T>C variant is predicted to result in the amino acid substitution p.Met1452Thr. To our knowledge, this variant has not been reported in the literature or in a large population database, indicating this variant is rare. At this time, the clinical significance of this variant is uncertain due to the absence of conclusive functional and genetic evidence.

NM_020738.4(KIDINS220):c.4355T>C (p.Met1452Thr)

Gene: KIDINS220 (kinase D interacting substrate 220; minus strand). Cytogenetic location: 2p25.1.
Variant type: single nucleotide variant.
Coding change: c.4355T>C on transcript NM_020738.4 (MANE Select); coding-DNA position 4355, T replaced by C.
Protein change: p.Met1452Thr; replaces methionine 1452 with threonine.
Molecular consequence: missense variant. On other transcripts: intron variant (6).
Genome position (GRCh38, 1-based): chr2:8,731,681, A>G on the plus strand (T>C on the coding strand, the complement: KIDINS220 is on the minus strand). VCF-style: chr2-8731681-A-G. GRCh37 (hg19) VCF-style: chr2-8871811-A-G.
Other names: c.4358T>C, p.Met1453Thr (NM_001348729.2); c.4301T>C, p.Met1434Thr (NM_001348731.2); c.4298T>C, p.Met1433Thr (NM_001348732.2); c.4187T>C, p.Met1396Thr (NM_001348734.2); c.4184T>C, p.Met1395Thr (NM_001348735.2); c.4058T>C, p.Met1353Thr (NM_001348736.2); c.3882+1763T>C (NM_001348741.2, NM_001348742.2, NM_001348743.2); c.3996+1763T>C (NM_001348738.2); and 1 more; short protein forms M1353T, M1395T, M1396T, M1433T, M1434T, M1452T, M1453T.
Identifiers: ClinVar variation 3349849 (VCV003349849.1).